The following is an entry in ClinVar:

ClinVar aggregate classification (germline): Conflicting classifications of pathogenicity. Review status: criteria provided, conflicting classifications (1 of 4 stars). 4 submissions from 4 submitters: Uncertain significance (1); Likely benign (3). Last evaluated 2025-12-15.

Conditions:
Hereditary spherocytosis type 1. Also called: Spherocytosis type 1; ANK1-Related Spherocytosis. Identifiers: Orphanet 822, MedGen C2674218, MONDO:0008447, OMIM 182900.

Allele frequency attached by ClinVar (database versions not stated): gnomAD exomes 0.00008 and 0.00011; TOPMed 0.00008; gnomAD 0.00009 and 0.00010; ExAC 0.00011.

Submissions (4):

Labcorp Genetics (formerly Invitae), Labcorp
Classification: Likely benign. Last evaluated: 2025-12-15. Review status: criteria provided, single submitter. Criteria: Invitae Variant Classification Sherloc (09022015). Collection method: clinical testing. Allele origin: germline.

Mayo Clinic Laboratories, Mayo Clinic
Classification: Likely benign. Last evaluated: 2024-10-17. Review status: criteria provided, single submitter. Criteria: ACMG Guidelines, 2015. Collection method: clinical testing. Allele origin: germline. Observed: 3 variant alleles.
Comment: BP4, BP7

Blueprint Genetics
Classification: Likely benign. Last evaluated: 2024-05-24. Review status: criteria provided, single submitter. Criteria: ACMG Guidelines, 2015. Collection method: clinical testing. Allele origin: germline.

Centre for Mendelian Genomics, University Medical Centre Ljubljana
Classification: Uncertain significance for Hereditary spherocytosis type 1. Last evaluated: 2019-03-12. Review status: criteria provided, single submitter. Criteria: ACMG Guidelines, 2015. Collection method: clinical testing. Allele origin: unknown. Affected: yes.
Comment: This variant was classified as: Uncertain significance. The available evidence on this variant's pathogenicity is insufficient or conflicting. The following ACMG criteria were applied in classifying this variant: BP4.

NM_000037.4(ANK1):c.2389-10C>T

Gene: ANK1 (ankyrin 1; minus strand). Cytogenetic location: 8p11.21.
Variant type: single nucleotide variant.
Coding change: c.2389-10C>T on transcript NM_000037.4 (MANE Select); 10 bases into the intron before coding-DNA position 2389, C replaced by T.
Molecular consequence: intron variant.
Genome position (GRCh38, 1-based): chr8:41,701,632, G>A on the plus strand (C>T on the coding strand, the complement: ANK1 is on the minus strand). VCF-style: chr8-41701632-G-A. GRCh37 (hg19) VCF-style: chr8-41559150-G-A.
Other names: p.?; c.2488-10C>T (NM_001142446.2); c.2389-10C>T (NM_020477.3, NM_020475.3, NM_020476.3).
Identifiers: ClinVar variation 763456 (VCV000763456.14), dbSNP rs764935260, ClinGen allele CA4728248.
Genomic context (GRCh38, chr8:41,701,632, plus strand): 5'-GATCTCATCAACTGTCTCAGGGAAACTCATTCGATGCTTATCACTGACTAACTAAAACGA[G>A]AAAAAGCAGATAATTCAACCCAAACTAGAGCCGCACACATTTTTTACCAGCCCAGCGGTT-3'